The following is an entry in ClinVar:

ClinVar aggregate classification (germline): Likely benign. Review status: criteria provided, single submitter (1 of 4 stars). 2 submissions from 2 submitters: Likely benign (1). 1 of the submissions does not count toward it. Last evaluated 2025-08-24.

Conditions:
Kabuki syndrome. Also called: Kabuki make-up syndrome; NIIKAWA-KUROKI SYNDROME. Identifiers: Orphanet 2322, MedGen C0796004, MONDO:0016512.
KMT2D-related disorder. Also called: KMT2D-Related Disorders.

Allele frequency attached by ClinVar (database versions not stated): gnomAD 0.00002; gnomAD exomes 0.00003 and 0.00004; ExAC 0.00005; ESP Exome Variant Server 0.00008.
gnomAD v4.1: 50 of 1,573,986 alleles (0.0032%); highest among the groups gnomAD compares: South Asian, 0.057%; no homozygotes.

Submissions (2):

Labcorp Genetics (formerly Invitae), Labcorp
Classification: Likely benign for Kabuki syndrome. Last evaluated: 2025-08-24. Review status: criteria provided, single submitter. Criteria: Invitae Variant Classification Sherloc (09022015). Collection method: clinical testing. Allele origin: germline.

PreventionGenetics, part of Exact Sciences
Classification: Likely benign for KMT2D-related condition. Last evaluated: 2023-03-21. Review status: no assertion criteria provided. Collection method: clinical testing. Allele origin: germline. Not counted in ClinVar's aggregate classification.
Comment: This variant is classified as likely benign based on ACMG/AMP sequence variant interpretation guidelines (Richards et al. 2015 PMID: 25741868, with internal and published modifications).

NM_003482.4(KMT2D):c.1986G>A (p.Leu662=)

Gene: KMT2D (lysine methyltransferase 2D; minus strand). Cytogenetic location: 12q13.12.
Variant type: single nucleotide variant.
Coding change: c.1986G>A on transcript NM_003482.4 (MANE Select); coding-DNA position 1986, G replaced by A.
Protein change: p.Leu662=; no amino-acid change (leucine 662 retained).
Molecular consequence: synonymous variant.
Genome position (GRCh38, 1-based): chr12:49,051,697, C>T on the plus strand (G>A on the coding strand, the complement: KMT2D is on the minus strand). VCF-style: chr12-49051697-C-T. GRCh37 (hg19) VCF-style: chr12-49445480-C-T.
Other names: c.1986G>A (NM_003482.3).
Identifiers: ClinVar variation 1557553 (VCV001557553.10), dbSNP rs367766409, ClinGen allele CA6548373.